The following is an entry in ClinVar:

ClinVar aggregate classification (germline): Pathogenic (1 of 4 stars; one submission).

Conditions:
Tietz syndrome (TADS). Also called: TIETZ ALBINISM-DEAFNESS SYNDROME; HYPOPIGMENTATION/DEAFNESS OF TIETZ; ALBINISM-DEAFNESS OF TIETZ. Identifiers: Orphanet 42665, MedGen C0391816, MONDO:0007077, OMIM 103500.
Melanoma, cutaneous malignant, susceptibility to, 8. Also called: MELANOMA AND RENAL CELL CARCINOMA, SUSCEPTIBILITY TO; Cutaneous malignant melanoma 8. Identifiers: Orphanet 293822, MedGen C3152204, MONDO:0013759, OMIM 614456.
Waardenburg syndrome type 2A (WS2A). Also called: WAARDENBURG SYNDROME WITHOUT DYSTOPIA CANTHORUM. Identifiers: Orphanet 3440, MedGen C1860339, MONDO:0008671, OMIM 193510.

Submission:

Labcorp Genetics (formerly Invitae), Labcorp
Classification: Pathogenic for Melanoma, cutaneous malignant, susceptibility to, 8; Waardenburg syndrome type 2A; Tietz syndrome. Last evaluated: 2025-02-27. Review status: criteria provided, single submitter. Criteria: Invitae Variant Classification Sherloc (09022015). Collection method: clinical testing. Allele origin: germline.
Comment: This sequence change creates a premature translational stop signal (p.Asp345Metfs*34) in the MITF gene. While this is not anticipated to result in nonsense mediated decay, it is expected to disrupt the last 75 amino acid(s) of the MITF protein. This variant is not present in population databases (gnomAD no frequency). This variant has not been reported in the literature in individuals affected with MITF-related conditions. This variant disrupts a region of the MITF protein in which other variant(s) (p.Asn352Lysfs*27) have been determined to be pathogenic (PMID: 34142234). This suggests that this is a clinically significant region of the protein, and that variants that disrupt it are likely to be disease-causing. For these reasons, this variant has been classified as Pathogenic.

Literature cited by the submitters: PubMed 34142234.

NM_001354604.2(MITF):c.1354del (p.Asp452fs)

Gene: MITF (melanocyte inducing transcription factor; plus strand). Cytogenetic location: 3p13.
Variant type: Deletion.
Coding change: c.1354del on transcript NM_001354604.2 (MANE Select); coding-DNA position 1354, one base deleted (G; older notation c.1354delG).
Protein change: p.Asp452fs; shifts the reading frame from aspartic acid 452.
Molecular consequence: frameshift variant.
Genome position (GRCh38, 1-based): chr3:69,965,021, G deleted; the last of 2 consecutive G bases (chr3:69,965,020-69,965,021); deleting either gives the same sequence. VCF-style (leftmost placement, unchanged base first): chr3-69965019-CG-C. GRCh37 (hg19) VCF-style: chr3-70014170-CG-C.
Other names: c.1033del, p.Asp345fs (NM_000248.4); c.1180del, p.Asp394fs (NM_001184967.2, NM_001354608.2); c.1351del, p.Asp451fs (NM_001354605.2); c.1333del, p.Asp445fs (NM_001354606.2, NM_006722.3); c.1285del, p.Asp429fs (NM_001354607.2); c.1015del, p.Asp339fs (NM_198158.3); c.1336del, p.Asp446fs (NM_198159.3); c.1288del, p.Asp430fs (NM_198177.3); and 1 more; short protein forms D394fs, D430fs, D446fs, D339fs, D429fs, D345fs, D445fs, D451fs.
Identifiers: ClinVar variation 4793705 (VCV004793705.1).